The following is an entry in ClinVar:

ClinVar aggregate classification (germline): Pathogenic/Likely pathogenic. Review status: criteria provided, multiple submitters, no conflicts (2 of 4 stars). 3 submissions from 3 submitters: Pathogenic (2); Likely pathogenic (1). Last evaluated 2024-01-11.

Conditions:
Ataxia-telangiectasia syndrome (AT). Also called: LOUIS-BAR SYNDROME; Cerebello-oculocutaneous telangiectasia; Immunodeficiency with ataxia telangiectasia; ATAXIA-TELANGIECTASIA, COMPLEMENTATION GROUP A; ATAXIA-TELANGIECTASIA, FRESNO VARIANT; Ataxia-telangiectasia, complementation group D. Identifiers: Orphanet 100, MedGen C0004135, MONDO:0008840, OMIM 208900.
Familial cancer of breast. Also called: hereditary breast carcinoma; BREAST CANCER, FAMILIAL; Hereditary breast cancer. Identifiers: Orphanet 227535, MedGen C0346153, MONDO:0016419, OMIM 114480. Disease mechanism: loss of function.

Submissions (3):

Myriad Genetics, Inc.
Classification: Pathogenic for Familial cancer of breast. Last evaluated: 2024-01-11. Review status: criteria provided, single submitter. Criteria: Myriad Autosomal Dominant, Autosomal Recessive and X-Linked Classification Criteria (2023). Collection method: clinical testing. Allele origin: unknown.
Comment: This variant is considered pathogenic. This variant creates a termination codon and is predicted to result in premature protein truncation.

Baylor Genetics
Classification: Likely pathogenic for Familial cancer of breast. Last evaluated: 2022-09-01. Review status: criteria provided, single submitter. Criteria: ACMG Guidelines, 2015. Collection method: clinical testing. Allele origin: unknown.

Labcorp Genetics (formerly Invitae), Labcorp
Classification: Pathogenic for Ataxia-telangiectasia syndrome. Last evaluated: 2022-06-20. Review status: criteria provided, single submitter. Criteria: Invitae Variant Classification Sherloc (09022015). Collection method: clinical testing. Allele origin: germline.
Comment: For these reasons, this variant has been classified as Pathogenic. This variant has not been reported in the literature in individuals affected with ATM-related conditions. This variant is not present in population databases (gnomAD no frequency). This sequence change creates a premature translational stop signal (p.Tyr316*) in the ATM gene. It is expected to result in an absent or disrupted protein product. Loss-of-function variants in ATM are known to be pathogenic (PMID: 23807571, 25614872).

Literature cited by the submitters: PubMed 23807571 (cited by Labcorp Genetics (formerly Invitae), Labcorp); PubMed 25614872 (cited by Labcorp Genetics (formerly Invitae), Labcorp).

NM_000051.4(ATM):c.947_948del (p.Leu315_Tyr316insTer)

Gene: ATM (ATM serine/threonine kinase; plus strand). Cytogenetic location: 11q22.3.
Variant type: Microsatellite.
Coding change: c.947_948del on transcript NM_000051.4 (MANE Select); coding-DNA positions 947 to 948, 2 bases deleted (AT; older notation c.947_948delAT).
Protein change: p.Leu315_Tyr316insTer.
Molecular consequence: nonsense.
Genome position (GRCh38, 1-based): chr11:108,247,009-108,247,010, AT deleted; deleting any 2 consecutive bases within chr11:108,247,006-108,247,010 gives the same sequence; the c. name uses the placement nearest the transcript's 3' end. VCF-style (leftmost placement, unchanged base first): chr11-108247005-TTA-T. GRCh37 (hg19) VCF-style: chr11-108117732-TTA-T.
Other names: c.947_948del, p.Leu315_Tyr316insTer (NM_001351834.2).
Identifiers: ClinVar variation 1412477 (VCV001412477.8), dbSNP rs2135265742, ClinGen allele CA2580616434.
Genomic context (GRCh38, chr11:108,247,005, plus strand): 5'-TTAATTTTTTGGATTACAGGTGCTTATGAATCAACAAAATGGAGAAGTATTTTATACAAC[TTA>T]TATGATCTGCTAGTGAATGAGATAAGTCATATAGGAAGTAGAGGAAAGTATTCTTCAGGA-3'